The following is an entry in ClinVar:

ClinVar aggregate classification (germline): Likely benign (1 of 4 stars; one submission).

Submission:

CeGaT Center for Human Genetics Tuebingen
Classification: Likely benign. Last evaluated: 2025-01-01. Review status: criteria provided, single submitter. Criteria: CeGaT Center For Human Genetics Tuebingen Variant Classification Criteria Version 2. Collection method: clinical testing. Allele origin: germline. Affected: yes. Observed: 1 variant allele.
Comment: CDH23: PM2:Supporting, BP4, BP7

NM_022124.6(CDH23):c.7923T>C (p.Asp2641=)

Genes: CDH23 (cadherin related 23; plus strand), LOC111982869 (Sharpr-MPRA regulatory region 2121; plus strand). Cytogenetic location: 10q22.1.
Variant type: single nucleotide variant.
Coding change: c.7923T>C on transcript NM_022124.6 (MANE Select); coding-DNA position 7923, T replaced by C.
Protein change: p.Asp2641=; no amino-acid change (aspartic acid 2641 retained).
Molecular consequence: synonymous variant.
Genome position (GRCh38, 1-based): chr10:71,805,856, T>C. VCF-style: chr10-71805856-T-C. GRCh37 (hg19) VCF-style: chr10-73565613-T-C.
Other names: c.1203T>C, p.Asp401= (NM_001171933.1, NM_001171934.1).
Identifiers: ClinVar variation 3772296 (VCV003772296.13).